The following is an entry in ClinVar:

ClinVar aggregate classification (germline): Uncertain significance. Review status: criteria provided, multiple submitters, no conflicts (2 of 4 stars). 3 submissions from 3 submitters: Uncertain significance (3). Last evaluated 2025-04-17.

Conditions:
Inborn genetic diseases. Identifiers: MedGen C0950123, MeSH D030342.
Spastic paraplegia. Identifiers: MedGen C0037772, HP:0001258.

Allele frequency attached by ClinVar (database versions not stated): ExAC 0.00001.
gnomAD v4.1: 46 of 1,613,976 alleles (0.0029%); highest among the groups gnomAD compares: Middle Eastern, 0.016%; no homozygotes.

Submissions (3):

Ambry Genetics
Classification: Uncertain significance for Inborn genetic diseases. Last evaluated: 2025-04-17. Review status: criteria provided, single submitter. Criteria: Ambry Variant Classification Scheme 2023. Collection method: clinical testing. Allele origin: germline.

GeneDx
Classification: Uncertain significance. Last evaluated: 2023-10-20. Review status: criteria provided, single submitter. Criteria: GeneDx Variant Classification Process June 2021. Collection method: clinical testing. Allele origin: germline. Affected: yes.
Comment: Not observed at significant frequency in large population cohorts (gnomAD); In silico analysis supports that this missense variant does not alter protein structure/function; Has not been previously published as pathogenic or benign to our knowledge

Labcorp Genetics (formerly Invitae), Labcorp
Classification: Uncertain significance for Spastic paraplegia. Last evaluated: 2022-05-12. Review status: criteria provided, single submitter. Criteria: Invitae Variant Classification Sherloc (09022015). Collection method: clinical testing. Allele origin: germline.
Comment: This sequence change replaces aspartic acid, which is acidic and polar, with valine, which is neutral and non-polar, at codon 440 of the ZFYVE26 protein (p.Asp440Val). This variant is present in population databases (rs200389391, gnomAD 0.003%). This variant has not been reported in the literature in individuals affected with ZFYVE26-related conditions. Algorithms developed to predict the effect of missense changes on protein structure and function are either unavailable or do not agree on the potential impact of this missense change (SIFT: "Deleterious"; PolyPhen-2: "Possibly Damaging"; Align-GVGD: "Class C15"). In summary, the available evidence is currently insufficient to determine the role of this variant in disease. Therefore, it has been classified as a Variant of Uncertain Significance.

NM_015346.4(ZFYVE26):c.1319A>T (p.Asp440Val)

Gene: ZFYVE26 (zinc finger FYVE-type containing 26; minus strand). Cytogenetic location: 14q24.1.
Variant type: single nucleotide variant.
Coding change: c.1319A>T on transcript NM_015346.4 (MANE Select); coding-DNA position 1319, A replaced by T.
Protein change: p.Asp440Val; replaces aspartic acid 440 with valine.
Molecular consequence: missense variant.
Genome position (GRCh38, 1-based): chr14:67,804,217, T>A on the plus strand (A>T on the coding strand, the complement: ZFYVE26 is on the minus strand). VCF-style: chr14-67804217-T-A. GRCh37 (hg19) VCF-style: chr14-68270934-T-A.
Other names: c.1319A>T (NM_015346.3); short protein forms D440V.
Identifiers: ClinVar variation 2144458 (VCV002144458.3), dbSNP rs200389391, ClinGen allele CA7240548.